The following is an entry in ClinVar:

ClinVar aggregate classification (germline): Benign/Likely benign. Review status: criteria provided, multiple submitters, no conflicts (2 of 4 stars). 6 submissions from 6 submitters: Benign (2); Likely benign (2). 2 of the submissions do not count toward it. Last evaluated 2026-01-26.

Allele frequency attached by ClinVar (database versions not stated): 1000 Genomes Project 30x 0.00031; 1000 Genomes Project 0.00040; gnomAD 0.00088 and 0.00089; gnomAD exomes 0.00089 and 0.00095; ExAC 0.00101; ESP Exome Variant Server 0.00138; TOPMed 0.00146.
gnomAD v4.1: 1,481 of 1,614,108 alleles (0.092%); highest among the groups gnomAD compares: Middle Eastern, 0.38%; 2 homozygotes.

Submissions (6):

Labcorp Genetics (formerly Invitae), Labcorp
Classification: Benign. Last evaluated: 2026-01-26. Review status: criteria provided, single submitter. Criteria: Invitae Variant Classification Sherloc (09022015). Collection method: clinical testing. Allele origin: germline.

CeGaT Center for Human Genetics Tuebingen
Classification: Likely benign. Last evaluated: 2025-11-01. Review status: criteria provided, single submitter. Criteria: CeGaT Center For Human Genetics Tuebingen Variant Classification Criteria Version 2. Collection method: clinical testing. Allele origin: germline. Affected: yes. Observed: 13 variant alleles.
Comment: SON: BP4, BP7

Blueprint Genetics
Classification: Likely benign. Last evaluated: 2024-11-07. Review status: criteria provided, single submitter. Criteria: ACMG Guidelines, 2015. Collection method: clinical testing. Allele origin: germline.

Breakthrough Genomics
Classification: Benign. Review status: criteria provided, single submitter. Criteria: ACMG Guidelines, 2015. Collection method: not provided. Allele origin: germline. Inheritance: Autosomal dominant inheritance. Affected: yes.

Clinical Genetics DNA and cytogenetics Diagnostics Lab, Erasmus MC, Erasmus Medical Center
Classification: Likely benign. Review status: no assertion criteria provided. Collection method: clinical testing. Allele origin: germline. Affected: yes. Study: VKGL Data-share Consensus. Not counted in ClinVar's aggregate classification.

Genome Diagnostics Laboratory, University Medical Center Utrecht
Classification: Likely benign. Review status: no assertion criteria provided. Collection method: clinical testing. Allele origin: germline. Affected: yes. Study: VKGL Data-share Consensus. Not counted in ClinVar's aggregate classification.

NM_138927.4(SON):c.4851A>G (p.Ala1617=)

Gene: SON (SON DNA and RNA binding protein; plus strand). Cytogenetic location: 21q22.11.
Variant type: single nucleotide variant.
Coding change: c.4851A>G on transcript NM_138927.4 (MANE Select); coding-DNA position 4851, A replaced by G.
Protein change: p.Ala1617=; no amino-acid change (alanine 1617 retained).
Molecular consequence: synonymous variant. On other transcripts: non-coding transcript variant (1), intron variant (1).
Genome position (GRCh38, 1-based): chr21:33,554,082, A>G. VCF-style: chr21-33554082-A-G. GRCh37 (hg19) VCF-style: chr21-34926388-A-G.
Other names: c.4851A>G, p.Ala1617= (NM_001291411.2, NM_032195.3); c.245-3074A>G (NM_001291412.3).
Identifiers: ClinVar variation 708852 (VCV000708852.37), dbSNP rs146914239, ClinGen allele CA10009610.